The following is an entry in ClinVar:

ClinVar aggregate classification (germline): Conflicting classifications of pathogenicity. Review status: criteria provided, conflicting classifications (1 of 4 stars). 2 submissions from 2 submitters: Pathogenic (1); Uncertain significance (1). Last evaluated 2023-10-05.

Conditions:
Hereditary cancer-predisposing syndrome. Also called: Tumor predisposition; Hereditary neoplastic syndrome; Neoplastic Syndromes, Hereditary; Hereditary Cancer Syndrome. Identifiers: Orphanet 140162, MedGen C0027672, MeSH D009386, MONDO:0015356.

Submissions (2):

Labcorp Genetics (formerly Invitae), Labcorp
Classification: Uncertain significance. Last evaluated: 2023-10-05. Review status: criteria provided, single submitter. Criteria: Invitae Variant Classification Sherloc (09022015). Collection method: clinical testing. Allele origin: germline.
Comment: This sequence change creates a premature translational stop signal (p.Phe32Leufs*29) in the XRCC2 gene. While this is not anticipated to result in nonsense mediated decay, it is expected to disrupt the last 249 amino acid(s) of the XRCC2 protein. This variant is present in population databases (no rsID available, gnomAD 0.0009%). This premature translational stop signal has been observed in individual(s) with breast cancer (PMID: 28715532). ClinVar contains an entry for this variant (Variation ID: 1359146). Algorithms developed to predict the effect of sequence changes on RNA splicing suggest that this variant may disrupt the consensus splice site. In summary, the available evidence is currently insufficient to determine the role of this variant in disease. Therefore, it has been classified as a Variant of Uncertain Significance.

Ambry Genetics
Classification: Pathogenic for Hereditary cancer-predisposing syndrome. Last evaluated: 2021-04-26. Review status: criteria provided, single submitter. Criteria: Ambry Variant Classification Scheme 2023. Collection method: clinical testing. Allele origin: germline.
Comment: The c.96_99delTGCT pathogenic mutation, located in coding exon 2 of the XRCC2 gene, results from a deletion of 4 nucleotides at nucleotide positions 96 to 99, causing a translational frameshift with a predicted alternate stop codon (p.F32Lfs*29). This alteration occurs at the 3' terminus of theXRCC2 gene, is not expected to trigger nonsense-mediated mRNA decay, and impacts the last 249 amino acids of the protein. However, premature stop codons are typically deleterious in nature and a significant portion of the protein is affected (Ambry internal data). This alteration was identified in a cohort of triple-negative breast cancer patients (Hahnen E et al. JAMA Oncol. 2017 Oct;3:1378-1385). This alteration was also detected in 1/1358 non-cancer control individuals and in 0/57 cases, in a study looking at cancer predisposition mutations in patients with cutaneous melanoma and a history of at least two additional non-cutaneous melanoma primary cancers (Pritchard AL et al. PLoS One. 2018 Apr;13:e0194098). Based on the supporting evidence, this alteration is interpreted as a disease-causing mutation.

Literature cited by the submitters: PubMed 28715532 (cited by Labcorp Genetics (formerly Invitae), Labcorp and Ambry Genetics); PubMed 29641532 (cited by Ambry Genetics).

NM_005431.2(XRCC2):c.96_99del (p.Phe32fs)

Gene: XRCC2 (X-ray repair cross complementing 2; minus strand). Cytogenetic location: 7q36.1.
Variant type: Deletion.
Coding change: c.96_99del on transcript NM_005431.2 (MANE Select); coding-DNA positions 96 to 99, 4 bases deleted (TGCT; older notation c.96_99delTGCT).
Protein change: p.Phe32fs; shifts the reading frame from phenylalanine 32.
Molecular consequence: frameshift variant.
Genome position (GRCh38, 1-based): chr7:152,660,723-152,660,726, AGCA deleted on the plus strand (TGCT on the coding strand, the reverse complement: XRCC2 is on the minus strand); deleting any 4 consecutive bases within chr7:152,660,723-152,660,727 gives the same sequence; the c. name uses the placement nearest the transcript's 3' end. VCF-style (leftmost placement, unchanged base first): chr7-152660722-CAGCA-C. GRCh37 (hg19) VCF-style: chr7-152357807-CAGCA-C.
Other names: short protein forms F32fs.
Identifiers: ClinVar variation 1359146 (VCV001359146.8), dbSNP rs1554411684, ClinGen allele CA578933811.